The following is an entry in ClinVar:

NM_000522.5(HOXA13):c.281C>G (p.Pro94Arg)

Genes: HOXA13 (homeobox A13; minus strand), LOC107126288 (NUP98-HOXA13 recombination region; plus strand). Cytogenetic location: 7p15.2.
Variant type: single nucleotide variant.
Coding change: c.281C>G on transcript NM_000522.5 (MANE Select); coding-DNA position 281, C replaced by G.
Protein change: p.Pro94Arg; replaces proline 94 with arginine.
Molecular consequence: missense variant.
Genome position (GRCh38, 1-based): chr7:27,199,797, G>C on the plus strand (C>G on the coding strand, the complement: HOXA13 is on the minus strand). VCF-style: chr7-27199797-G-C. GRCh37 (hg19) VCF-style: chr7-27239416-G-C.
Other names: short protein forms P94R.
Identifiers: ClinVar variation 4881311 (VCV004881311.2).

ClinVar aggregate classification (germline): Uncertain significance (1 of 4 stars; one submission).

Submission:

Dasa
Classification: Uncertain significance. Last evaluated: 2024-06-26. Review status: criteria provided, single submitter. Criteria: DASA Assertion Criteria. Collection method: clinical testing. Allele origin: germline.
Comment: NM_000522.5(HOXA13):c.281C>G (p.Pro94Arg) is a missense variant that results in the substitution of proline with arginine. This variant is rare in population databases. Computational prediction algorithms are consistent with a benign effect. The currently available literature and clinical evidence are not sufficient to establish a definitive association between this variant and the reported condition. Therefore, this variant is classified as a variant of uncertain significance.